The following is an entry in ClinVar:

ClinVar aggregate classification (germline): Uncertain significance (1 of 4 stars; one submission).

Submission:

GeneDx
Classification: Uncertain significance. Last evaluated: 2022-05-23. Review status: criteria provided, single submitter. Criteria: GeneDx Variant Classification Process June 2021. Collection method: clinical testing. Allele origin: germline. Affected: yes.
Comment: Not observed at significant frequency in large population cohorts (gnomAD); In silico analysis supports that this missense variant has a deleterious effect on protein structure/function; Has not been previously published as pathogenic or benign to our knowledge

NM_005413.4(SIX3):c.437G>T (p.Arg146Leu)

Gene: SIX3 (SIX homeobox 3; plus strand). Cytogenetic location: 2p21.
Variant type: single nucleotide variant.
Coding change: c.437G>T on transcript NM_005413.4 (MANE Select); coding-DNA position 437, G replaced by T.
Protein change: p.Arg146Leu; replaces arginine 146 with leucine.
Molecular consequence: missense variant.
Genome position (GRCh38, 1-based): chr2:44,942,541, G>T. VCF-style: chr2-44942541-G-T. GRCh37 (hg19) VCF-style: chr2-45169680-G-T.
Other names: short protein forms R146L.
Identifiers: ClinVar variation 1801173 (VCV001801173.1), dbSNP rs766724439, ClinGen allele CA1642326.